The following is an entry in ClinVar:

ClinVar aggregate classification (germline): Pathogenic. Review status: criteria provided, single submitter (1 of 4 stars). 2 submissions from 2 submitters: Pathogenic (1). 1 of the submissions does not count toward it. Last evaluated 2024-05-20.

Conditions:
Retinoblastoma (RB1). Also called: RETINOBLASTOMA, SOMATIC. Identifiers: Orphanet 790, MedGen C0035335, MeSH D012175, MONDO:0008380, OMIM 180200, HP:0009919. Disease mechanism: loss of function. Inheritance: Both sporadic and heritable forms are tested..

Submissions (2):

Genetic Diagnostic Laboratory, University of Pennsylvania School of Medicine
Classification: Pathogenic for Retinoblastoma. Last evaluated: 2024-05-20. Review status: criteria provided, single submitter. Criteria: ACMG Guidelines, 2015. Collection method: clinical testing. Allele origin: germline. Affected: yes. Observed: 2 variant alleles.
Comment: Case and Pedigree Information: BILATERAL CASES:0, UNILATERAL CASES:2, TOTAL CASES:2, PEDIGREES:2. ACMG Codes Applied:PVS1, PM2

OMIM
Classification: Pathogenic for RETINOBLASTOMA. Last evaluated: 2007-02-01. Review status: no assertion criteria provided. Collection method: literature only. Allele origin: germline. Not counted in ClinVar's aggregate classification.

Literature cited by the submitters: PubMed 16988938 (cited by OMIM).

NM_000321.3(RB1):c.43_65dup (p.Pro23fs)

Gene: RB1 (RB transcriptional corepressor 1; plus strand). Cytogenetic location: 13q14.2.
Variant type: Duplication.
Coding change: c.43_65dup on transcript NM_000321.3 (MANE Select); coding-DNA positions 43 to 65, 23 bases duplicated (GCTGCCGCCGCGGAACCCCCGGC).
Protein change: p.Pro23fs; shifts the reading frame from proline 23.
Molecular consequence: frameshift variant.
Genome position (GRCh38, 1-based): chr13:48,303,955-48,303,977, GCTGCCGCCGCGGAACCCCCGGC duplicated; duplicating any 23 consecutive bases within chr13:48,303,954-48,303,977 gives the same sequence; the c. name uses the placement nearest the transcript's 3' end. VCF-style (leftmost placement, unchanged base first): chr13-48303953-C-CCGCTGCCGCCGCGGAACCCCCGG. GRCh37 (hg19) VCF-style: chr13-48878089-C-CCGCTGCCGCCGCGGAACCCCCGG.
Other names: short protein forms P23fs.
Identifiers: ClinVar variation 13095 (VCV000013095.2), dbSNP rs587776790, ClinGen allele CA256714.